The following is an entry in ClinVar:

NM_000264.5(PTCH1):c.3346G>A (p.Val1116Met)

Gene: PTCH1 (patched 1; minus strand). Cytogenetic location: 9q22.32.
Variant type: single nucleotide variant.
Coding change: c.3346G>A on transcript NM_000264.5 (MANE Select); coding-DNA position 3346, G replaced by A.
Protein change: p.Val1116Met; replaces valine 1116 with methionine.
Molecular consequence: missense variant. On other transcripts: non-coding transcript variant (1).
Genome position (GRCh38, 1-based): chr9:95,453,581, C>T on the plus strand (G>A on the coding strand, the complement: PTCH1 is on the minus strand). VCF-style: chr9-95453581-C-T. GRCh37 (hg19) VCF-style: chr9-98215863-C-T.
Other names: c.3148G>A, p.Val1050Met (NM_001083602.3); c.3343G>A, p.Val1115Met (NM_001083603.3); c.2893G>A, p.Val965Met (NM_001083604.3, NM_001083605.3, NM_001083606.3 and 1 more transcripts); c.3190G>A, p.Val1064Met (NM_001354918.2); short protein forms V1116M, V1050M, V1064M, V965M, V1115M.
Identifiers: ClinVar variation 453848 (VCV000453848.17), dbSNP rs201605273, ClinGen allele CA5138165.
Genomic context (GRCh38, chr9:95,453,581, plus strand): 5'-CCAGCAGAGTGGACACGGCGCCATCCAGGACGGGTGCAAACATGTGCTCCAGGGCAAGCA[C>T]AGCCCTGCGGTTCTTGTCGCCGATGGCCGTCAGAAAGGCCTGTGCAATGAGGATGTTCAC-3'
Protein context (NP_000255.2, residues 1106-1126): TAIGDKNRRA[Val1116Met]LALEHMFAPV

ClinVar aggregate classification (germline): Conflicting classifications of pathogenicity. Review status: criteria provided, conflicting classifications (1 of 4 stars). 5 submissions from 5 submitters: Uncertain significance (4); Likely benign (1). Last evaluated 2025-12-15.

Conditions:
Hereditary cancer-predisposing syndrome. Also called: Tumor predisposition; Hereditary Cancer Syndrome; Neoplastic Syndromes, Hereditary; Hereditary neoplastic syndrome. Identifiers: Orphanet 140162, MedGen C0027672, MeSH D009386, MONDO:0015356.
Basal cell carcinoma, susceptibility to, 1. Also called: BCC1. Identifiers: MedGen C2751544, MONDO:0011556, OMIM 605462.
Gorlin syndrome. Also called: Basal cell nevus syndrome; Nevoid Basal Cell Carcinoma Syndrome. Identifiers: Orphanet 377, MedGen C0004779, MONDO:0007187.

Allele frequency attached by ClinVar (database versions not stated): ExAC 0.00001.
gnomAD v4.1: 14 of 1,614,092 alleles (0.00087%); highest among the groups gnomAD compares: Middle Eastern, 0.016%; no homozygotes.

Submissions (5):

Labcorp Genetics (formerly Invitae), Labcorp
Classification: Likely benign for Gorlin syndrome. Last evaluated: 2025-12-15. Review status: criteria provided, single submitter. Criteria: Invitae Variant Classification Sherloc (09022015). Collection method: clinical testing. Allele origin: germline.

Women's Health and Genetics/Laboratory Corporation of America, LabCorp
Classification: Uncertain significance. Last evaluated: 2024-10-01. Review status: criteria provided, single submitter. Criteria: LabCorp Variant Classification Summary - May 2015. Collection method: clinical testing. Allele origin: germline.
Comment: Variant summary: PTCH1 c.3346G>A (p.Val1116Met) results in a conservative amino acid change in the encoded protein sequence. Three of five in-silico tools predict a damaging effect of the variant on protein function. The variant allele was found at a frequency of 8.1e-06 in 1607118 control chromosomes, predominantly at a frequency of 1.1e-05 within the Non-Finnish European subpopulation in the gnomAD database (v4.1 dataset). This frequency is somewhat lower than the estimated maximum expected for a pathogenic variant in PTCH1 causing Nevoid Basal Cell Carcinoma Syndrome (Gorlin Syndrome) (1.7e-05), allowing no clear conclusions about variant significance. To our knowledge, no occurrence of c.3346G>A in individuals affected with Nevoid Basal Cell Carcinoma Syndrome (Gorlin Syndrome) and no experimental evidence demonstrating its impact on protein function have been reported. ClinVar contains an entry for this variant (Variation ID: 453848). Based on the evidence outlined above, the variant was classified as uncertain significance.

Ambry Genetics
Classification: Uncertain significance for Hereditary cancer-predisposing syndrome. Last evaluated: 2024-06-04. Review status: criteria provided, single submitter. Criteria: Ambry Variant Classification Scheme 2023. Collection method: clinical testing. Allele origin: germline.
Comment: The p.V1116M variant (also known as c.3346G>A), located in coding exon 20 of the PTCH1 gene, results from a G to A substitution at nucleotide position 3346. The valine at codon 1116 is replaced by methionine, an amino acid with highly similar properties. This amino acid position is not well conserved in available vertebrate species. In addition, the in silico prediction for this alteration is inconclusive. Based on the available evidence, the clinical significance of this variant remains unclear.

Baylor Genetics
Classification: Uncertain significance for Basal cell carcinoma, susceptibility to, 1. Last evaluated: 2023-08-18. Review status: criteria provided, single submitter. Criteria: ACMG Guidelines, 2015. Collection method: clinical testing. Allele origin: unknown.

St. Jude Molecular Pathology, St. Jude Children's Research Hospital
Classification: Uncertain significance for Basal cell nevus syndrome 1. Last evaluated: 2023-04-18. Review status: criteria provided, single submitter. Criteria: St. Jude Assertion Criteria 2020. Collection method: clinical testing. Allele origin: germline.
Comment: The PTCH1 c.3346G>A (p.Val1116Met) missense change has a maximum subpopulation frequency of 0.00088% in gnomAD v2.1.1. The in silico tool REVEL is inconclusive about a pathogenic or benign effect of this variant on protein function, and to our knowledge functional studies have not been performed. To our knowledge, this variant has not been reported in individuals with nevoid basal cell carcinoma syndrome. In summary, the evidence currently available is insufficient to determine the clinical significance of this variant. It has therefore been classified as of uncertain significance.